The following is an entry in ClinVar:

NM_014889.4(PITRM1):c.1622-15_1622-3del

Gene: PITRM1 (pitrilysin metallopeptidase 1; minus strand). Cytogenetic location: 10p15.2.
Variant type: Deletion.
Coding change: c.1622-15_1622-3del on transcript NM_014889.4 (MANE Select); 15 bases into the intron before coding-DNA position 1622 through 3 bases into the intron before coding-DNA position 1622, 13 bases deleted (TTGTTTCTTTTTT).
Molecular consequence: intron variant.
Genome position (GRCh38, 1-based): chr10:3,151,366-3,151,378, AAAAAAGAAACAA deleted on the plus strand (TTGTTTCTTTTTT on the coding strand, the reverse complement: PITRM1 is on the minus strand). VCF-style (leftmost placement, unchanged base first): chr10-3151365-TAAAAAAGAAACAA-T. GRCh37 (hg19) VCF-style: chr10-3193557-TAAAAAAGAAACAA-T.
Other names: c.1526-15_1526-3del (NM_001242309.1); c.1526-15_1526-3delTTGTTTCTTTTTT (NM_001242309.1); c.1622-15_1622-3del13 (NM_001242307.1); c.1598-15_1598-3del (NM_001347730.1, NM_001347729.1); c.1007-15_1007-3del (NM_001347726.2, NM_001347727.2); c.317-15_317-3del (NM_001347728.2); c.1622-15_1622-3del (NM_001347725.2, NM_001242307.2).
Identifiers: ClinVar variation 769361 (VCV000769361.14), dbSNP rs60985673, ClinGen allele CA5387756.

ClinVar aggregate classification (germline): Benign/Likely benign. Review status: criteria provided, multiple submitters, no conflicts (2 of 4 stars). 3 submissions from 3 submitters: Benign (1); Likely benign (1). 1 of the submissions does not count toward it. Last evaluated 2026-02-02.

Conditions:
PITRM1-related disorder. Also called: PITRM1-related condition.

Allele frequency attached by ClinVar (database versions not stated): ESP Exome Variant Server 0.12037; gnomAD 0.13067 and 0.13576; TOPMed 0.13248; gnomAD exomes 0.14963 and 0.16281; 1000 Genomes Project 30x 0.18129; 1000 Genomes Project 0.18590; ExAC 0.20875.

Submissions (15):

Labcorp Genetics (formerly Invitae), Labcorp
Classification: Benign. Last evaluated: 2026-02-02. Review status: criteria provided, single submitter. Criteria: Invitae Variant Classification Sherloc (09022015). Collection method: clinical testing. Allele origin: germline.

Blueprint Genetics
Classification: Likely benign. Last evaluated: 2024-11-27. Review status: criteria provided, single submitter. Criteria: ACMG Guidelines, 2015. Collection method: clinical testing. Allele origin: germline.

PreventionGenetics, part of Exact Sciences
Classification: Benign for PITRM1-related condition. Last evaluated: 2019-11-01. Review status: no assertion criteria provided. Collection method: clinical testing. Allele origin: germline. Not counted in ClinVar's aggregate classification.
Comment: This variant is classified as benign based on ACMG/AMP sequence variant interpretation guidelines (Richards et al. 2015 PMID: 25741868, with internal and published modifications).

Dr. Peter K. Rogan Lab, Western University
No classification provided (evidence only). Condition: Adrenocortical carcinoma, hereditary. Review status: no classification provided. Collection method: in vitro. Allele origin: not applicable. Functional consequence: retained intron. Not counted in ClinVar's aggregate classification.

Dr. Peter K. Rogan Lab, Western University
No classification provided (evidence only). Condition: Adrenocortical carcinoma, hereditary. Review status: no classification provided. Collection method: in vitro. Allele origin: not applicable. Functional consequence: retained intron. Not counted in ClinVar's aggregate classification.

Dr. Peter K. Rogan Lab, Western University
No classification provided (evidence only). Condition: Adrenocortical carcinoma, hereditary. Review status: no classification provided. Collection method: in vitro. Allele origin: not applicable. Functional consequence: retained intron. Not counted in ClinVar's aggregate classification.

Dr. Peter K. Rogan Lab, Western University
No classification provided (evidence only). Condition: Adrenocortical carcinoma, hereditary. Review status: no classification provided. Collection method: in vitro. Allele origin: not applicable. Functional consequence: retained intron. Not counted in ClinVar's aggregate classification.

Dr. Peter K. Rogan Lab, Western University
No classification provided (evidence only). Condition: Adrenocortical carcinoma, hereditary. Review status: no classification provided. Collection method: in vitro. Allele origin: not applicable. Functional consequence: retained intron. Not counted in ClinVar's aggregate classification.

Dr. Peter K. Rogan Lab, Western University
No classification provided (evidence only). Condition: Adrenocortical carcinoma, hereditary. Review status: no classification provided. Collection method: in vitro. Allele origin: not applicable. Functional consequence: skipped exon. Not counted in ClinVar's aggregate classification.

Dr. Peter K. Rogan Lab, Western University
No classification provided (evidence only). Condition: Cholangiocarcinoma. Review status: no classification provided. Collection method: in vitro. Allele origin: not applicable. Functional consequence: retained intron. Not counted in ClinVar's aggregate classification.

Dr. Peter K. Rogan Lab, Western University
No classification provided (evidence only). Condition: Malignant lymphoma, large B-cell, diffuse. Review status: no classification provided. Collection method: in vitro. Allele origin: not applicable. Functional consequence: retained intron. Not counted in ClinVar's aggregate classification.

Dr. Peter K. Rogan Lab, Western University
No classification provided (evidence only). Condition: Lung cancer. Review status: no classification provided. Collection method: in vitro. Allele origin: not applicable. Functional consequence: retained intron. Not counted in ClinVar's aggregate classification.

Dr. Peter K. Rogan Lab, Western University
No classification provided (evidence only). Condition: Gastric cancer. Review status: no classification provided. Collection method: in vitro. Allele origin: not applicable. Functional consequence: retained intron. Not counted in ClinVar's aggregate classification.

Dr. Peter K. Rogan Lab, Western University
No classification provided (evidence only). Condition: Uterine carcinosarcoma. Review status: no classification provided. Collection method: in vitro. Allele origin: not applicable. Functional consequence: retained intron. Not counted in ClinVar's aggregate classification.

Dr. Peter K. Rogan Lab, Western University
No classification provided (evidence only). Condition: Uveal melanoma. Review status: no classification provided. Collection method: in vitro. Allele origin: not applicable. Functional consequence: skipped exon, retained intron. Not counted in ClinVar's aggregate classification.